The following is an entry in ClinVar:

NM_001040108.2(MLH3):c.3980T>A (p.Ile1327Asn)

Gene: MLH3 (mutL homolog 3; minus strand). Cytogenetic location: 14q24.3.
Variant type: single nucleotide variant.
Coding change: c.3980T>A on transcript NM_001040108.2 (MANE Select); coding-DNA position 3980, T replaced by A.
Protein change: p.Ile1327Asn; replaces isoleucine 1327 with asparagine.
Molecular consequence: missense variant.
Genome position (GRCh38, 1-based): chr14:75,030,550, A>T on the plus strand (T>A on the coding strand, the complement: MLH3 is on the minus strand). VCF-style: chr14-75030550-A-T. GRCh37 (hg19) VCF-style: chr14-75497253-A-T.
Other names: c.3908T>A, p.Ile1303Asn (NM_014381.3); short protein forms I1327N, I1303N.
Identifiers: ClinVar variation 3396768 (VCV003396768.1).
Genomic context (GRCh38, chr14:75,030,550, plus strand): 5'-TATGAGGTTACCATCACTCAGCAATTTCCTTAACATCTGCAGCTGTGTCTTACCTCCACA[A>T]TACTCTTGGTCACAGTAGATCTTCCTCTCCGAAGTTCATTGGCTTCTCTTTCCACAAAAC-3'
Protein context (NP_001035197.1, residues 1317-1337): RRGRSTVTKS[Ile1327Asn]VEEFIREQLE

ClinVar aggregate classification (germline): Uncertain significance (1 of 4 stars; one submission).

Submission:

Ambry Genetics
Classification: Uncertain significance. Last evaluated: 2024-11-16. Review status: criteria provided, single submitter. Criteria: Ambry Variant Classification Scheme 2023. Collection method: clinical testing. Allele origin: germline.
Comment: The p.I1327N variant (also known as c.3980T>A), located in coding exon 8 of the MLH3 gene, results from a T to A substitution at nucleotide position 3980. The isoleucine at codon 1327 is replaced by asparagine, an amino acid with dissimilar properties. This amino acid position is conserved. In addition, the in silico prediction for this alteration is inconclusive. Based on the available evidence, the clinical significance of this variant remains unclear.